The following is an entry in ClinVar:

NM_004329.3(BMPR1A):c.1041del (p.Glu348fs)

Gene: BMPR1A (bone morphogenetic protein receptor type 1A; plus strand). Cytogenetic location: 10q23.2.
Variant type: Deletion.
Coding change: c.1041del on transcript NM_004329.3 (MANE Select); coding-DNA position 1041, one base deleted (A; older notation c.1041delA).
Protein change: p.Glu348fs; shifts the reading frame from glutamic acid 348.
Molecular consequence: frameshift variant. On other transcripts: non-coding transcript variant (3).
Genome position (GRCh38, 1-based): chr10:86,919,344, A deleted. VCF-style (leftmost placement, unchanged base first): chr10-86919343-CA-C. GRCh37 (hg19) VCF-style: chr10-88679100-CA-C.
Other names: c.957del, p.Glu320fs (NM_001406587.1, NM_001406588.1, NM_001406584.1 and 2 more transcripts); c.1116del, p.Glu373fs (NM_001406559.1); c.699del, p.Glu234fs (NM_001406589.1); c.1089del, p.Glu364fs (NM_001406560.1); c.1041del, p.Glu348fs (NM_001406581.1, NM_001406582.1, NM_001406561.1 and 19 more transcripts); c.1035del, p.Glu346fs (NM_001406583.1); short protein forms E234fs, E320fs, E346fs, E348fs, E364fs, E373fs.
Identifiers: ClinVar variation 2583696 (VCV002583696.2), dbSNP rs2539621197, ClinGen allele CA2582342690.

ClinVar aggregate classification (germline): Pathogenic (1 of 4 stars; one submission).

Conditions:
Juvenile polyposis syndrome (JPS). Identifiers: Orphanet 2929, MedGen C0345893, MONDO:0017380, OMIM 174900.

Submission:

Myriad Genetics, Inc.
Classification: Pathogenic for Juvenile polyposis syndrome. Last evaluated: 2023-05-26. Review status: criteria provided, single submitter. Criteria: Myriad Autosomal Dominant, Autosomal Recessive and X-Linked Classification Criteria (2023). Collection method: clinical testing. Allele origin: unknown.
Comment: This variant is considered pathogenic. This variant creates a frameshift predicted to result in premature protein truncation.